The following is an entry in ClinVar:

NM_000535.7(PMS2):c.43A>G (p.Ile15Val)

Gene: PMS2 (PMS1 homolog 2, mismatch repair system component; minus strand). Cytogenetic location: 7p22.1.
Variant type: single nucleotide variant.
Coding change: c.43A>G on transcript NM_000535.7 (MANE Select); coding-DNA position 43, A replaced by G.
Protein change: p.Ile15Val; replaces isoleucine 15 with valine.
Molecular consequence: missense variant. On other transcripts: 5 prime UTR variant (8), non-coding transcript variant (1), intron variant (3).
Genome position (GRCh38, 1-based): chr7:6,006,012, T>C on the plus strand (A>G on the coding strand, the complement: PMS2 is on the minus strand). VCF-style: chr7-6006012-T-C. GRCh37 (hg19) VCF-style: chr7-6045643-T-C.
Other names: c.-363A>G (NM_001322003.2, NM_001322005.2, NM_001322009.2 and 1 more transcripts); c.43A>G, p.Ile15Val (NM_001322006.2, NM_001322014.2); c.-173A>G (NM_001322007.2); c.-842A>G (NM_001322011.2, NM_001322012.2); c.-442A>G (NM_001322015.2); c.-52-1954A>G (NM_001322008.2); c.-242-1954A>G (NM_001322010.2, NM_001322004.2); short protein forms I15V.
Identifiers: ClinVar variation 237916 (VCV000237916.14), dbSNP rs878854051, ClinGen allele CA10582532.

ClinVar aggregate classification (germline): Uncertain significance. Review status: criteria provided, multiple submitters, no conflicts (2 of 4 stars). 2 submissions from 2 submitters: Uncertain significance (2). Last evaluated 2025-07-25.

Conditions:
Hereditary nonpolyposis colorectal neoplasms. Identifiers: MedGen C0009405, MeSH D003123.
Hereditary cancer-predisposing syndrome. Also called: Neoplastic Syndromes, Hereditary; Hereditary neoplastic syndrome; Tumor predisposition; Hereditary Cancer Syndrome. Identifiers: Orphanet 140162, MedGen C0027672, MeSH D009386, MONDO:0015356.

Submissions (2):

Ambry Genetics
Classification: Uncertain significance for Hereditary cancer-predisposing syndrome. Last evaluated: 2025-07-25. Review status: criteria provided, single submitter. Criteria: Ambry Variant Classification Scheme 2023. Collection method: clinical testing. Allele origin: germline.
Comment: The p.I15V variant (also known as c.43A>G), located in coding exon 2 of the PMS2 gene, results from an A to G substitution at nucleotide position 43. The isoleucine at codon 15 is replaced by valine, an amino acid with highly similar properties. This amino acid position is highly conserved in available vertebrate species. In addition, this alteration is predicted to be deleterious by in silico analysis. Based on the available evidence, the clinical significance of this variant remains unclear.

Labcorp Genetics (formerly Invitae), Labcorp
Classification: Uncertain significance for Hereditary nonpolyposis colorectal neoplasms. Last evaluated: 2025-03-30. Review status: criteria provided, single submitter. Criteria: Invitae Variant Classification Sherloc (09022015). Collection method: clinical testing. Allele origin: germline.
Comment: This sequence change replaces isoleucine, which is neutral and non-polar, with valine, which is neutral and non-polar, at codon 15 of the PMS2 protein (p.Ile15Val). This variant is not present in population databases (gnomAD no frequency). This variant has not been reported in the literature in individuals affected with PMS2-related conditions. ClinVar contains an entry for this variant (Variation ID: 237916). Invitae Evidence Modeling incorporating data from in vitro experimental studies (internal data) indicates that this missense variant is not expected to disrupt PMS2 function with a negative predictive value of 95%. In summary, the available evidence is currently insufficient to determine the role of this variant in disease. Therefore, it has been classified as a Variant of Uncertain Significance.